The following is an entry in ClinVar:

NM_001004334.4(GPR179):c.3726G>A (p.Glu1242=)

Gene: GPR179 (G protein-coupled receptor 179; minus strand). Cytogenetic location: 17q12.
Variant type: single nucleotide variant.
Coding change: c.3726G>A on transcript NM_001004334.4 (MANE Select); coding-DNA position 3726, G replaced by A.
Protein change: p.Glu1242=; no amino-acid change (glutamic acid 1242 retained).
Molecular consequence: synonymous variant.
Genome position (GRCh38, 1-based): chr17:38,329,843, C>T on the plus strand (G>A on the coding strand, the complement: GPR179 is on the minus strand). VCF-style: chr17-38329843-C-T. GRCh37 (hg19) VCF-style: chr17-36485726-C-T.
Other names: c.3726G>A (NM_001004334.3).
Identifiers: ClinVar variation 322993 (VCV000322993.15), dbSNP rs118133878, ClinGen allele CA10639548.

ClinVar aggregate classification (germline): Benign/Likely benign. Review status: criteria provided, multiple submitters, no conflicts (2 of 4 stars). 4 submissions from 4 submitters: Benign (1); Likely benign (2). 1 of the submissions does not count toward it. Last evaluated 2025-12-09.

Conditions:
GPR179-related disorder. Also called: GPR179-related condition.
Congenital stationary night blindness 1E. Also called: Night blindness, congenital stationary (complete), 1E, autosomal recessive. Identifiers: Orphanet 215, MedGen C3281215, MONDO:0013807, OMIM 614565.

Allele frequency attached by ClinVar (database versions not stated): gnomAD 0.00019 and 0.00021; TOPMed 0.00038; ExAC 0.00070; gnomAD exomes 0.00072; 1000 Genomes Project 30x 0.00094; 1000 Genomes Project 0.00100.

Submissions (4):

Labcorp Genetics (formerly Invitae), Labcorp
Classification: Benign. Last evaluated: 2025-12-09. Review status: criteria provided, single submitter. Criteria: Invitae Variant Classification Sherloc (09022015). Collection method: clinical testing. Allele origin: germline.

Blueprint Genetics
Classification: Likely benign. Last evaluated: 2024-11-22. Review status: criteria provided, single submitter. Criteria: ACMG Guidelines, 2015. Collection method: clinical testing. Allele origin: germline.

Illumina Laboratory Services, Illumina
Classification: Likely benign for Congenital stationary night blindness 1E. Last evaluated: 2018-01-12. Review status: criteria provided, single submitter. Criteria: ICSL Variant Classification Criteria 13 December 2019. Collection method: clinical testing. Allele origin: germline.
Comment: This variant was observed in the ICSL laboratory as part of a predisposition screen in an ostensibly healthy population. It had not been previously curated by ICSL or reported in the Human Gene Mutation Database (HGMD: prior to June 1st, 2018), and was therefore a candidate for classification through an automated scoring system. Utilizing variant allele frequency, disease prevalence and penetrance estimates, and inheritance mode, an automated score was calculated to assess if this variant is too frequent to cause the disease. Based on the score and internal cut-off values, a variant classified as likely benign is not then subjected to further curation. The score for this variant resulted in a classification of likely benign for this disease.

PreventionGenetics, part of Exact Sciences
Classification: Benign for GPR179-related condition. Last evaluated: 2019-07-03. Review status: no assertion criteria provided. Collection method: clinical testing. Allele origin: germline. Not counted in ClinVar's aggregate classification.
Comment: This variant is classified as benign based on ACMG/AMP sequence variant interpretation guidelines (Richards et al. 2015 PMID: 25741868, with internal and published modifications).